The following is an entry in ClinVar:

NM_000292.3(PHKA2):c.3289G>C (p.Gly1097Arg)

Gene: PHKA2 (phosphorylase kinase regulatory subunit alpha 2; minus strand). Cytogenetic location: Xp22.13.
Variant type: single nucleotide variant.
Coding change: c.3289G>C on transcript NM_000292.3 (MANE Select); coding-DNA position 3289, G replaced by C.
Protein change: p.Gly1097Arg; replaces glycine 1097 with arginine.
Molecular consequence: missense variant.
Genome position (GRCh38, 1-based): chrX:18,895,185, C>G on the plus strand (G>C on the coding strand, the complement: PHKA2 is on the minus strand). VCF-style: chrX-18895185-C-G. GRCh37 (hg19) VCF-style: chrX-18913303-C-G.
Other names: p.Gly1097Arg; c.3235G>C, p.Gly1079Arg (NM_001440800.1); c.3205G>C, p.Gly1069Arg (NM_001440801.1); c.3190G>C, p.Gly1064Arg (NM_001440802.1); c.3136G>C, p.Gly1046Arg (NM_001440803.1); c.3106G>C, p.Gly1036Arg (NM_001440804.1); c.3313G>C, p.Gly1105Arg (NM_001440805.1); short protein forms G1064R, G1046R, G1105R, G1036R, G1069R, G1079R, G1097R.
Identifiers: ClinVar variation 4542477 (VCV004542477.1).

ClinVar aggregate classification (germline): Uncertain significance (1 of 4 stars; one submission).

gnomAD v4.1: 2 of 1,208,744 alleles (0.00017%); highest among the groups gnomAD compares: Non-Finnish European, 0.00022%; no homozygotes.

Submission:

Mayo Clinic Laboratories, Mayo Clinic
Classification: Uncertain significance. Last evaluated: 2025-02-07. Review status: criteria provided, single submitter. Criteria: ACMG Guidelines, 2015. Collection method: clinical testing. Allele origin: germline. Observed: 1 variant allele.
Comment: PP3, PM2_supporting